The following is an entry in ClinVar:

ClinVar aggregate classification (germline): Uncertain significance (0 of 4 stars; one submission).

Conditions:
IRF2BPL-related disorder. Also called: IRF2BPL-related condition. Identifiers: MedGen CN381093.

Submission:

PreventionGenetics, part of Exact Sciences
Classification: Uncertain significance for IRF2BPL-related condition. Last evaluated: 2024-01-11. Review status: no assertion criteria provided. Collection method: clinical testing. Allele origin: germline.
Comment: The IRF2BPL c.1801C>T variant is predicted to result in the amino acid substitution p.Pro601Ser. To our knowledge, this variant has not been reported in the literature or in a large population database, indicating this variant is rare. At this time, the clinical significance of this variant is uncertain due to the absence of conclusive functional and genetic evidence.

NM_024496.4(IRF2BPL):c.1801C>T (p.Pro601Ser)

Gene: IRF2BPL (interferon regulatory factor 2 binding protein like; minus strand). Cytogenetic location: 14q24.3.
Variant type: single nucleotide variant.
Coding change: c.1801C>T on transcript NM_024496.4 (MANE Select); coding-DNA position 1801, C replaced by T.
Protein change: p.Pro601Ser; replaces proline 601 with serine.
Molecular consequence: missense variant.
Genome position (GRCh38, 1-based): chr14:77,025,992, G>A on the plus strand (C>T on the coding strand, the complement: IRF2BPL is on the minus strand). VCF-style: chr14-77025992-G-A. GRCh37 (hg19) VCF-style: chr14-77492335-G-A.
Other names: short protein forms P601S.
Identifiers: ClinVar variation 3047272 (VCV003047272.2), dbSNP rs1028168166, ClinGen allele CA390491731.